The following is an entry in ClinVar:

ClinVar aggregate classification (germline): Benign/Likely benign. Review status: criteria provided, multiple submitters, no conflicts (2 of 4 stars). 3 submissions from 3 submitters: Benign (1); Likely benign (2). Last evaluated 2025-02-26.

Conditions:
Acromesomelic dysplasia 1, Maroteaux type (AMD1). Also called: ACROMESOMELIC DYSPLASIA 1; ST. HELENA DYSPLASIA. Identifiers: Orphanet 40, MedGen C1864356, MONDO:0011275, OMIM 602875.
Tall stature-scoliosis-macrodactyly of the great toes syndrome. Also called: Epiphyseal chondrodysplasia, miura type. Identifiers: Orphanet 329191, MedGen C4014690, MONDO:0014401, OMIM 615923.

Allele frequency attached by ClinVar (database versions not stated): gnomAD below 0.00001 and 0.00003; TOPMed 0.00002; gnomAD exomes 0.00004 and 0.00009; ExAC 0.00009.
gnomAD v4.1: 64 of 1,613,930 alleles (0.004%); highest among the groups gnomAD compares: South Asian, 0.067%; 1 homozygote.

Submissions (3):

Labcorp Genetics (formerly Invitae), Labcorp
Classification: Benign for Tall stature-scoliosis-macrodactyly of the great toes syndrome; Acromesomelic dysplasia 1, Maroteaux type. Last evaluated: 2025-02-26. Review status: criteria provided, single submitter. Criteria: Invitae Variant Classification Sherloc (09022015). Collection method: clinical testing. Allele origin: germline.

CeGaT Center for Human Genetics Tuebingen
Classification: Likely benign. Last evaluated: 2024-08-01. Review status: criteria provided, single submitter. Criteria: CeGaT Center For Human Genetics Tuebingen Variant Classification Criteria Version 2. Collection method: clinical testing. Allele origin: germline. Affected: yes. Observed: 1 variant allele.
Comment: NPR2: BP4, BP7

Blueprint Genetics
Classification: Likely benign. Last evaluated: 2024-05-23. Review status: criteria provided, single submitter. Criteria: ACMG Guidelines, 2015. Collection method: clinical testing. Allele origin: germline.

NM_003995.4(NPR2):c.915G>A (p.Glu305=)

Gene: NPR2 (natriuretic peptide receptor 2; plus strand). Cytogenetic location: 9p13.3.
Variant type: single nucleotide variant.
Coding change: c.915G>A on transcript NM_003995.4 (MANE Select); coding-DNA position 915, G replaced by A.
Protein change: p.Glu305=; no amino-acid change (glutamic acid 305 retained).
Molecular consequence: synonymous variant.
Genome position (GRCh38, 1-based): chr9:35,799,659, G>A. VCF-style: chr9-35799659-G-A. GRCh37 (hg19) VCF-style: chr9-35799656-G-A.
Other names: c.915G>A, p.Glu305= (NM_001378923.1).
Identifiers: ClinVar variation 760097 (VCV000760097.25), dbSNP rs773637376, ClinGen allele CA5051550.